The following is an entry in ClinVar:

ClinVar aggregate classification (germline): Uncertain significance (1 of 4 stars; one submission).

Submission:

CeGaT Center for Human Genetics Tuebingen
Classification: Uncertain significance. Last evaluated: 2024-03-01. Review status: criteria provided, single submitter. Criteria: CeGaT Center For Human Genetics Tuebingen Variant Classification Criteria Version 2. Collection method: clinical testing. Allele origin: germline. Affected: yes. Observed: 1 variant allele.
Comment: BRWD3: PM2

NM_153252.5(BRWD3):c.3714A>C (p.Leu1238Phe)

Gene: BRWD3 (bromodomain and WD repeat domain containing 3; minus strand). Cytogenetic location: Xq21.1.
Variant type: single nucleotide variant.
Coding change: c.3714A>C on transcript NM_153252.5 (MANE Select); coding-DNA position 3714, A replaced by C.
Protein change: p.Leu1238Phe; replaces leucine 1238 with phenylalanine.
Molecular consequence: missense variant.
Genome position (GRCh38, 1-based): chrX:80,689,981, T>G on the plus strand (A>C on the coding strand, the complement: BRWD3 is on the minus strand). VCF-style: chrX-80689981-T-G. GRCh37 (hg19) VCF-style: chrX-79945480-T-G.
Other names: short protein forms L1238F.
Identifiers: ClinVar variation 3027378 (VCV003027378.22), dbSNP rs2520231879, ClinGen allele CA413615879.
Genomic context (GRCh38, chrX:80,689,981, plus strand): 5'-TAAAAACCTTAAGTTAGACTCTCTGGAAGCTAAAACTGCTTCTTACCCAATAAATCGAAG[T>G]AAGACATCAGTTACAATTTTAGCTGCTTTAACTATAGGACTGTCTGGCTCATTGAAAGTC-3'
Protein context (NP_694984.5, residues 1228-1248): VKAAKIVTDV[Leu1238Phe]LRFIGDQSCT